The following is an entry in ClinVar:

ClinVar aggregate classification (germline): Conflicting classifications of pathogenicity. Review status: criteria provided, conflicting classifications (1 of 4 stars). 5 submissions from 5 submitters: Pathogenic (1); Likely pathogenic (1); Uncertain significance (2). 1 of the submissions does not count toward it. Last evaluated 2026-09-02.

Conditions:
ERCC2-related disorder. Also called: ERCC2-related disorders; ERCC2-related conditions; ERCC2-related condition. Identifiers: MedGen CN239291.
Trichothiodystrophy 1, photosensitive (TTD1). Also called: TAY SYNDROME; TRICHOTHIODYSTROPHY WITH CONGENITAL ICHTHYOSIS; PIBIDS SYNDROME. Identifiers: Orphanet 33364, MedGen C1866504, MONDO:0011125, OMIM 601675.

Allele frequency attached by ClinVar (database versions not stated): gnomAD 0.00001; TOPMed 0.00001.
gnomAD v4.1: 4 of 1,613,920 alleles (0.00025%); highest among the groups gnomAD compares: Non-Finnish European, 0.00034%; no homozygotes.

Submissions (5):

Myriad Genetics, Inc.
Classification: Uncertain significance for ERCC2-related disorder. Last evaluated: 2026-09-02. Review status: criteria provided, single submitter. Criteria: Myriad Autosomal Dominant, Autosomal Recessive and X-Linked Classification Criteria (2023). Collection method: clinical testing. Allele origin: unknown.
Comment: NM_000400.3(ERCC2):c.1963G>T(D655Y) is a missense variant classified as a variant of uncertain significance in the context of ERCC2-related disorders. D655Y has been observed in a case with relevant disease (PMID: 36259739). Relevant functional assessments of this variant are available in the literature (PMID: 36259739). D655Y has not been observed in referenced population frequency databases. In summary, there is insufficient evidence to classify NM_000400.3(ERCC2):c.1963G>T(D655Y) as pathogenic or benign. Please note: this variant was assessed in the context of healthy population screening.

Labcorp Genetics (formerly Invitae), Labcorp
Classification: Pathogenic. Last evaluated: 2025-08-07. Review status: criteria provided, single submitter. Criteria: Invitae Variant Classification Sherloc (09022015). Collection method: clinical testing. Allele origin: germline.
Comment: This sequence change replaces aspartic acid, which is acidic and polar, with tyrosine, which is neutral and polar, at codon 655 of the ERCC2 protein (p.Asp655Tyr). This variant is not present in population databases (gnomAD no frequency). This missense change has been observed in individual(s) with clinical features of trichothiodystrophy (PMID: 36259739; internal data). In at least one individual the data is consistent with being in trans (on the opposite chromosome) from a pathogenic variant. It has also been observed to segregate with disease in related individuals. ClinVar contains an entry for this variant (Variation ID: 1446946). Invitae Evidence Modeling of protein sequence and biophysical properties (such as structural, functional, and spatial information, amino acid conservation, physicochemical variation, residue mobility, and thermodynamic stability) indicates that this missense variant is expected to disrupt ERCC2 protein function with a positive predictive value of 80%. For these reasons, this variant has been classified as Pathogenic.

Women's Health and Genetics/Laboratory Corporation of America, LabCorp
Classification: Uncertain significance. Last evaluated: 2023-06-29. Review status: criteria provided, single submitter. Criteria: LabCorp Variant Classification Summary - May 2015. Collection method: clinical testing. Allele origin: germline.
Comment: Variant summary: ERCC2 c.1963G>T (p.Asp655Tyr) results in a non-conservative amino acid change located in the ATP-dependent helicase, C-terminal domain (IPR006555) of the encoded protein sequence. Five of five in-silico tools predict a damaging effect of the variant on protein function. The variant was absent in 251256 control chromosomes (gnomAD). c.1963G>T has been reported in the literature in individuals affected with Xeroderma Pigmentosum (example: Lanzafame_2022). These data indicate that the variant may be associated with disease. To our knowledge, no experimental evidence demonstrating an impact on protein function has been reported. The following publication has been ascertained in the context of this evaluation (PMID: 36259739). One submitter has cited clinical-significance assessments for this variant to ClinVar after 2014 and has classified the variant as uncertain significance. Based on the evidence outlined above, the variant was classified as VUS-possibly pathogenic.

GeneDx
Classification: Likely pathogenic. Last evaluated: 2022-12-20. Review status: criteria provided, single submitter. Criteria: GeneDx Variant Classification Process June 2021. Collection method: clinical testing. Allele origin: germline. Affected: yes.
Comment: Not observed at significant frequency in large population cohorts (gnomAD); In silico analysis supports that this missense variant has a deleterious effect on protein structure/function; This variant is associated with the following publications: (PMID: 36259739)

Istituto di Genetica Molecolare, National Research Council of Italy
Classification: Pathogenic for Trichothiodystrophy 1, photosensitive. Review status: no assertion criteria provided. Collection method: research. Allele origin: germline. Affected: yes. Not counted in ClinVar's aggregate classification.

Literature cited by the submitters: PubMed 36259739 (cited by 3 submitters); DOI 10.1002/humu.24488 (cited by Istituto di Genetica Molecolare, National Research Council of Italy).

NM_000400.4(ERCC2):c.1963G>T (p.Asp655Tyr)

Gene: ERCC2 (ERCC excision repair 2, TFIIH core complex helicase subunit; minus strand). Cytogenetic location: 19q13.32.
Variant type: single nucleotide variant.
Coding change: c.1963G>T on transcript NM_000400.4 (MANE Select); coding-DNA position 1963, G replaced by T.
Protein change: p.Asp655Tyr; replaces aspartic acid 655 with tyrosine.
Molecular consequence: missense variant.
Genome position (GRCh38, 1-based): chr19:45,352,589, C>A on the plus strand (G>T on the coding strand, the complement: ERCC2 is on the minus strand). VCF-style: chr19-45352589-C-A. GRCh37 (hg19) VCF-style: chr19-45855847-C-A.
Other names: c.1963G>T (NM_000400.3); short protein forms D655Y.
Identifiers: ClinVar variation 1446946 (VCV001446946.14), dbSNP rs1411740455, ClinGen allele CA406363270.